The following is an entry in ClinVar:

ClinVar aggregate classification (germline): Likely benign (1 of 4 stars; one submission).

Conditions:
DeSanto-Shinawi syndrome due to WAC point mutation (DESSH). Also called: DEVELOPMENTAL DELAY, BEHAVIORAL ABNORMALITIES, FACIAL DYSMORPHISM, AND OCULAR ABNORMALITIES; Facial dysmorphism-developmental delay-behavioral abnormalities syndrome due to WAC point mutation; WAC-Related Intellectual Disability. Identifiers: Orphanet 284169, Orphanet 466950, MedGen C5681129, MONDO:0014741, OMIM 616708.

Submission:

Centre for Medical Genetics,  Mumbai
Classification: Likely benign for DeSanto-Shinawi syndrome due to WAC point mutation. Last evaluated: 2026-02-23. Review status: criteria provided, single submitter. Criteria: ACMG Guidelines, 2015. Collection method: provider interpretation. Allele origin: germline. Inheritance: Autosomal dominant inheritance. Affected: no. Observed: 1 heterozygote.
Comment: The variant satisfies PM2 criteria; Extremely low frequency in gnomAD population databases. The variant satisfies BP1 criteria; Missense variant in a gene for which loss of function is the known mechanism of disease. However, the variant satisfies BS2 criteria.

Literature cited by the submitters: PubMed 26264232.

NM_016628.5(WAC):c.653A>G (p.Gln218Arg)

Gene: WAC (WW domain containing adaptor with coiled-coil; plus strand). Cytogenetic location: 10p12.1.
Variant type: single nucleotide variant.
Coding change: c.653A>G on transcript NM_016628.5 (MANE Select); coding-DNA position 653, A replaced by G.
Protein change: p.Gln218Arg; replaces glutamine 218 with arginine.
Molecular consequence: missense variant. On other transcripts: intron variant (1).
Genome position (GRCh38, 1-based): chr10:28,595,775, A>G. VCF-style: chr10-28595775-A-G. GRCh37 (hg19) VCF-style: chr10-28884704-A-G.
Other names: c.518A>G, p.Gln173Arg (NM_100264.3); c.610+4943A>G (NM_100486.4); short protein forms Q173R, Q218R.
Identifiers: ClinVar variation 4796745 (VCV004796745.1).